The following is an entry in ClinVar:

NM_000256.3(MYBPC3):c.2698G>A (p.Gly900Ser)

Gene: MYBPC3 (myosin binding protein C3; minus strand). Cytogenetic location: 11p11.2.
Variant type: single nucleotide variant.
Coding change: c.2698G>A on transcript NM_000256.3 (MANE Select); coding-DNA position 2698, G replaced by A.
Protein change: p.Gly900Ser; replaces glycine 900 with serine.
Molecular consequence: missense variant.
Genome position (GRCh38, 1-based): chr11:47,335,916, C>T on the plus strand (G>A on the coding strand, the complement: MYBPC3 is on the minus strand). VCF-style: chr11-47335916-C-T. GRCh37 (hg19) VCF-style: chr11-47357467-C-T.
Other names: short protein forms G900S.
Identifiers: ClinVar variation 2738005 (VCV002738005.4), dbSNP rs1223099034, ClinGen allele CA380317232.
Genomic context (GRCh38, chr11:47,335,916, plus strand): 5'-GTTGGGGGCGGGGACACTCACAGCCCTCTGGGCAGTACTCCACGCTGTAGCCATCCAGGC[C>T]TCCTGCTCCCACGCGCTCTGGGGGCCGCCACTTGAGGGAGACCGTGGTGTCAGAGACGTC-3'
Protein context (NP_000247.2, residues 890-910): WRPPERVGAG[Gly900Ser]LDGYSVEYCP

ClinVar aggregate classification (germline): Uncertain significance. Review status: criteria provided, multiple submitters, no conflicts (2 of 4 stars). 2 submissions from 2 submitters: Uncertain significance (2). Last evaluated 2025-04-23.

Conditions:
Hypertrophic cardiomyopathy. Also called: HYPERTROPHIC MYOCARDIOPATHY. Identifiers: Orphanet 217569, MedGen C0007194, MeSH D002312, MONDO:0005045, HP:0001639.

Allele frequency attached by ClinVar (database versions not stated): gnomAD exomes below 0.00001; TOPMed below 0.00001; gnomAD 0.00001.
gnomAD v4.1: 4 of 1,546,508 alleles (0.00026%); highest among the groups gnomAD compares: African/African-American, 0.0014%; no homozygotes.

Submissions (2):

Labcorp Genetics (formerly Invitae), Labcorp
Classification: Uncertain significance for Hypertrophic cardiomyopathy. Last evaluated: 2025-04-23. Review status: criteria provided, single submitter. Criteria: Invitae Variant Classification Sherloc (09022015). Collection method: clinical testing. Allele origin: germline.
Comment: This sequence change replaces glycine, which is neutral and non-polar, with serine, which is neutral and polar, at codon 900 of the MYBPC3 protein (p.Gly900Ser). This variant is not present in population databases (gnomAD no frequency). This variant has not been reported in the literature in individuals affected with MYBPC3-related conditions. ClinVar contains an entry for this variant (Variation ID: 2738005). An algorithm developed to predict the effect of missense changes on protein structure and function (PolyPhen-2) suggests that this variant is likely to be disruptive. In summary, the available evidence is currently insufficient to determine the role of this variant in disease. Therefore, it has been classified as a Variant of Uncertain Significance.

All of Us Research Program, National Institutes of Health
Classification: Uncertain significance for Hypertrophic cardiomyopathy. Last evaluated: 2023-11-02. Review status: criteria provided, single submitter. Criteria: ACMG Guidelines, 2015. Collection method: clinical testing. Allele origin: germline. Inheritance: Autosomal dominant inheritance. Observed: 1 variant allele, 1 heterozygote.
Comment: This missense variant replaces glycine with serine at codon 900 of the MYBPC3 protein. Computational prediction suggests that this variant may not impact protein structure and function (internally defined REVEL score threshold <= 0.5, PMID: 27666373). To our knowledge, functional studies have not been reported for this variant. This variant has not been reported in an individual affected with hypertrophic cardiomyopathy (PMID: 33495597). This variant has not been identified in the general population by the Genome Aggregation Database (gnomAD). The available evidence is insufficient to determine the role of this variant in disease conclusively. Therefore, this variant is classified as a Variant of Uncertain Significance.

This study involves interpretation of variants in research participants for the purpose of population health screening. Participant phenotype was not available at the time of variant classification. Additional details can be found in publication PMID: 35346344, PMCID: PMC8962531

Literature cited by the submitters: PubMed 33495597 (cited by All of Us Research Program, National Institutes of Health).